The following is an entry in ClinVar:

ClinVar aggregate classification (germline): Uncertain significance (1 of 4 stars; one submission).

Conditions:
Cardiac arrhythmia, ankyrin-B-related. Also called: ANKYRIN-B SYNDROME. Identifiers: Orphanet 101016, Orphanet 768, MedGen C1970119, MONDO:0010958, OMIM 600919.

Submission:

Juno Genomics, Hangzhou Juno Genomics, Inc
Classification: Uncertain significance for Cardiac arrhythmia, ankyrin-B-related. Review status: criteria provided, single submitter. Criteria: ACMG Guidelines, 2015. Collection method: clinical testing. Allele origin: germline.
Comment: Absent from controls (or at extremely low frequency if recessive) in Genome Aggregation Database.;Missense variant in a gene that has a low rate of benign missense variation.

NM_001148.6(ANK2):c.4034G>A (p.Arg1345Lys)

Gene: ANK2 (ankyrin 2; plus strand). Cytogenetic location: 4q26.
Variant type: single nucleotide variant.
Coding change: c.4034G>A on transcript NM_001148.6 (MANE Select); coding-DNA position 4034, G replaced by A.
Protein change: p.Arg1345Lys; replaces arginine 1345 with lysine.
Molecular consequence: missense variant.
Genome position (GRCh38, 1-based): chr4:113,341,828, G>A. VCF-style: chr4-113341828-G-A. GRCh37 (hg19) VCF-style: chr4-114262984-G-A.
Other names: c.3650G>A, p.Arg1217Lys (NM_001354277.2, NM_001386157.1); c.1562G>A, p.Arg521Lys (NM_001354278.2, NM_001354281.2); c.1598G>A, p.Arg533Lys (NM_001354279.2, NM_001354282.2); c.1583G>A, p.Arg528Lys (NM_001354280.2); c.3833G>A, p.Arg1278Lys (NM_001386142.1, NM_001386154.1, NM_001354274.2); c.3971G>A, p.Arg1324Lys (NM_001386143.1, NM_001354243.2, NM_001354255.2); c.4079G>A, p.Arg1360Lys (NM_001386144.1, NM_001354240.2, NM_001354241.2); c.3848G>A, p.Arg1283Lys (NM_001386146.1, NM_001386149.1, NM_001386150.1 and 6 more transcripts); and 31 more; short protein forms R1184K, R1217K, R1245K, R1250K, R1258K, R1270K, R1274K, R1278K.
Identifiers: ClinVar variation 5018799 (VCV005018799.2).
Genomic context (GRCh38, chr4:113,341,828, plus strand): 5'-CTTATATGGCCAAATTTGTAGTGTTTGCCAAATCACATGACCCCATTGAAGCCAGGTTGA[G>A]GTGTTTCTGCATGACTGATGATAAAGTGGATAAGACCCTTGAACAACAAGAAAATTTTGC-3'
Protein context (NP_001139.3, residues 1335-1355): KSHDPIEARL[Arg1345Lys]CFCMTDDKVD